The following is an entry in ClinVar:

ClinVar aggregate classification (germline): Uncertain significance. Review status: criteria provided, multiple submitters, no conflicts (2 of 4 stars). 2 submissions from 2 submitters: Uncertain significance (2). Last evaluated 2025-11-04.

Conditions:
Hereditary nonpolyposis colorectal neoplasms. Identifiers: MedGen C0009405, MeSH D003123.
Hereditary cancer-predisposing syndrome. Also called: Tumor predisposition; Hereditary neoplastic syndrome; Neoplastic Syndromes, Hereditary; Hereditary Cancer Syndrome. Identifiers: Orphanet 140162, MedGen C0027672, MeSH D009386, MONDO:0015356.

Submissions (2):

Ambry Genetics
Classification: Uncertain significance for Hereditary cancer-predisposing syndrome. Last evaluated: 2025-11-04. Review status: criteria provided, single submitter. Criteria: Ambry Variant Classification Scheme 2023. Collection method: clinical testing. Allele origin: germline.
Comment: The p.G520A variant (also known as c.1559G>C), located in coding exon 4 of the MSH6 gene, results from a G to C substitution at nucleotide position 1559. The glycine at codon 520 is replaced by alanine, an amino acid with similar properties. This amino acid position is conserved. In addition, this alteration is predicted to be deleterious by in silico analysis. Based on the available evidence, the clinical significance of this variant remains unclear.

Labcorp Genetics (formerly Invitae), Labcorp
Classification: Uncertain significance for Hereditary nonpolyposis colorectal neoplasms. Last evaluated: 2021-03-02. Review status: criteria provided, single submitter. Criteria: Invitae Variant Classification Sherloc (09022015). Collection method: clinical testing. Allele origin: germline.
Comment: This sequence change replaces glycine with alanine at codon 520 of the MSH6 protein (p.Gly520Ala). The glycine residue is highly conserved and there is a small physicochemical difference between glycine and alanine. This variant is not present in population databases (ExAC no frequency). This variant has not been reported in the literature in individuals with MSH6-related conditions. Advanced modeling of protein sequence and biophysical properties (such as structural, functional, and spatial information, amino acid conservation, physicochemical variation, residue mobility, and thermodynamic stability) performed at Invitae indicates that this missense variant is expected to disrupt MSH6 protein function. In summary, the available evidence is currently insufficient to determine the role of this variant in disease. Therefore, it has been classified as a Variant of Uncertain Significance.

NM_000179.3(MSH6):c.1559G>C (p.Gly520Ala)

Gene: MSH6 (mutS homolog 6; plus strand). Cytogenetic location: 2p16.3.
Variant type: single nucleotide variant.
Coding change: c.1559G>C on transcript NM_000179.3 (MANE Select); coding-DNA position 1559, G replaced by C.
Protein change: p.Gly520Ala; replaces glycine 520 with alanine.
Molecular consequence: missense variant.
Genome position (GRCh38, 1-based): chr2:47,799,542, G>C. VCF-style: chr2-47799542-G-C. GRCh37 (hg19) VCF-style: chr2-48026681-G-C.
Other names: c.1169G>C, p.Gly390Ala (NM_001281492.2); c.653G>C, p.Gly218Ala (NM_001281493.2, NM_001281494.2); c.1559G>C (NM_000179.2); short protein forms G520A, G218A, G390A.
Identifiers: ClinVar variation 1490031 (VCV001490031.9), dbSNP rs1669344619, ClinGen allele CA346746718.